The following is an entry in ClinVar:

ClinVar aggregate classification (germline): Benign (1 of 4 stars; one submission).

Conditions:
Ectodermal dysplasia and immunodeficiency 2. Identifiers: Orphanet 238468, Orphanet 98813, MedGen C2677481, MONDO:0012806, OMIM 612132.

Allele frequency attached by ClinVar (database versions not stated): gnomAD exomes 0.00005; 1000 Genomes Project 30x 0.00047; 1000 Genomes Project 0.00060; gnomAD 0.00061 and 0.00066; TOPMed 0.00063.

Submission:

Illumina Laboratory Services, Illumina
Classification: Benign for Ectodermal dysplasia and immunodeficiency 2. Last evaluated: 2018-01-13. Review status: criteria provided, single submitter. Criteria: ICSL Variant Classification Criteria 13 December 2019. Collection method: clinical testing. Allele origin: germline.
Comment: This variant was observed in the ICSL laboratory as part of a predisposition screen in an ostensibly healthy population. It had not been previously curated by ICSL or reported in the Human Gene Mutation Database (HGMD: prior to June 1st, 2018), and was therefore a candidate for classification through an automated scoring system. Utilizing variant allele frequency, disease prevalence and penetrance estimates, and inheritance mode, an automated score was calculated to assess if this variant is too frequent to cause the disease. Based on the score and internal cut-off values, a variant classified as benign is not then subjected to further curation. The score for this variant resulted in a classification of benign for this disease.

NM_020529.3(NFKBIA):c.*99T>A

Gene: NFKBIA (NFKB inhibitor alpha; minus strand). Cytogenetic location: 14q13.2.
Variant type: single nucleotide variant.
Coding change: c.*99T>A on transcript NM_020529.3 (MANE Select); 99 bases downstream of the stop codon, T replaced by A.
Molecular consequence: 3 prime UTR variant.
Genome position (GRCh38, 1-based): chr14:35,401,914, A>T on the plus strand (T>A on the coding strand, the complement: NFKBIA is on the minus strand). VCF-style: chr14-35401914-A-T. GRCh37 (hg19) VCF-style: chr14-35871120-A-T.
Identifiers: ClinVar variation 883770 (VCV000883770.4), dbSNP rs529984279, ClinGen allele CA258860244.